The following is an entry in ClinVar:

ClinVar aggregate classification (germline): Uncertain significance. Review status: criteria provided, multiple submitters, no conflicts (2 of 4 stars). 2 submissions from 2 submitters: Uncertain significance (2). Last evaluated 2025-10-07.

Conditions:
Inborn genetic diseases. Identifiers: MedGen C0950123, MeSH D030342.
Polyglandular autoimmune syndrome, type 1 (APS1). Also called: Whitaker syndrome; Autoimmune polyendocrinopathy syndrome , type I, with or without reversible metaphyseal dysplasia; AUTOIMMUNE POLYENDOCRINE SYNDROME, TYPE I, WITH OR WITHOUT REVERSIBLE METAPHYSEAL DYSPLASIA; HYPOADRENOCORTICISM WITH HYPOPARATHYROIDISM AND SUPERFICIAL MONILIASIS; Autoimmune polyendocrine syndrome type 1; PGA I. Identifiers: Orphanet 3453, MedGen C0085859, MONDO:0009411, OMIM 240300.

Allele frequency attached by ClinVar (database versions not stated): gnomAD exomes below 0.00001.

Submissions (2):

Ambry Genetics
Classification: Uncertain significance for Inborn genetic diseases. Last evaluated: 2025-10-07. Review status: criteria provided, single submitter. Criteria: Ambry Variant Classification Scheme 2023. Collection method: clinical testing. Allele origin: germline.

Labcorp Genetics (formerly Invitae), Labcorp
Classification: Uncertain significance for Polyglandular autoimmune syndrome, type 1. Last evaluated: 2021-11-17. Review status: criteria provided, single submitter. Criteria: Invitae Variant Classification Sherloc (09022015). Collection method: clinical testing. Allele origin: germline.
Comment: This sequence change replaces methionine, which is neutral and non-polar, with valine, which is neutral and non-polar, at codon 184 of the AIRE protein (p.Met184Val). This variant is not present in population databases (gnomAD no frequency). This variant has not been reported in the literature in individuals affected with AIRE-related conditions. Advanced modeling of protein sequence and biophysical properties (such as structural, functional, and spatial information, amino acid conservation, physicochemical variation, residue mobility, and thermodynamic stability) performed at Invitae indicates that this missense variant is not expected to disrupt AIRE protein function. In summary, the available evidence is currently insufficient to determine the role of this variant in disease. Therefore, it has been classified as a Variant of Uncertain Significance.

NM_000383.4(AIRE):c.550A>G (p.Met184Val)

Gene: AIRE (autoimmune regulator; plus strand). Cytogenetic location: 21q22.3.
Variant type: single nucleotide variant.
Coding change: c.550A>G on transcript NM_000383.4 (MANE Select); coding-DNA position 550, A replaced by G.
Protein change: p.Met184Val; replaces methionine 184 with valine.
Molecular consequence: missense variant.
Genome position (GRCh38, 1-based): chr21:44,288,356, A>G. VCF-style: chr21-44288356-A-G. GRCh37 (hg19) VCF-style: chr21-45708239-A-G.
Other names: c.550A>G (NM_000383.2); short protein forms M184V.
Identifiers: ClinVar variation 1521119 (VCV001521119.4), dbSNP rs2146377723, ClinGen allele CA410424081.